The following is an entry in ClinVar:

ClinVar aggregate classification (germline): Likely benign. Review status: criteria provided, multiple submitters, no conflicts (2 of 4 stars). 2 submissions from 2 submitters: Likely benign (2). Last evaluated 2026-05-06.

Conditions:
Ehlers-Danlos syndrome, classic type, 1 (EDSCL1). Also called: EHLERS-DANLOS SYNDROME, GRAVIS TYPE; EHLERS-DANLOS SYNDROME, SEVERE CLASSIC TYPE; Ehlers-Danlos syndrome, type 1; Ehlers-Danlos Syndrome, Classic Type, COL5A1-Related; EDS I. Identifiers: MedGen C0268335, MONDO:0019567, OMIM 130000.

Allele frequency attached by ClinVar (database versions not stated): gnomAD 0.00001; TOPMed 0.00001.
gnomAD v4.1: 15 of 1,613,762 alleles (0.00093%); highest among the groups gnomAD compares: Non-Finnish European, 0.0013%; no homozygotes.

Submissions (2):

Women's Health and Genetics/Laboratory Corporation of America, LabCorp
Classification: Likely benign. Last evaluated: 2026-05-06. Review status: criteria provided, single submitter. Criteria: LabCorp Variant Classification Summary - May 2015. Collection method: clinical testing. Allele origin: germline.
Comment: Variant summary: COL5A1 c.5306C>T (p.Ser1769Phe) results in a non-conservative amino acid change in the encoded protein sequence. Algorithms developed to predict the effect of missense changes on protein structure and function all suggest that this variant is likely to be disruptive. The variant allele was found at a frequency of 8e-06 in 250990 control chromosomes (gnomAD v2). This variant was also reported as 15 heterozygotes in the gnomAD v4 database. To our knowledge, no occurrence of c.5306C>T in individuals affected with COL5A1-related conditions and no experimental evidence demonstrating its impact on protein function have been reported. ClinVar contains an entry for this variant (Variation ID: 2718192). Based on the evidence outlined above, the variant was classified as likely benign.

Labcorp Genetics (formerly Invitae), Labcorp
Classification: Likely benign for Ehlers-Danlos syndrome, classic type, 1. Last evaluated: 2025-03-22. Review status: criteria provided, single submitter. Criteria: Invitae Variant Classification Sherloc (09022015). Collection method: clinical testing. Allele origin: germline.

NM_000093.5(COL5A1):c.5306C>T (p.Ser1769Phe)

Genes: COL5A1 (collagen type V alpha 1 chain; plus strand), LOC101448202 (uncharacterized LOC101448202; minus strand). Cytogenetic location: 9q34.3.
Variant type: single nucleotide variant.
Coding change: c.5306C>T on transcript NM_000093.5 (MANE Select); coding-DNA position 5306, C replaced by T.
Protein change: p.Ser1769Phe; replaces serine 1769 with phenylalanine.
Molecular consequence: missense variant.
Genome position (GRCh38, 1-based): chr9:134,835,140, C>T. VCF-style: chr9-134835140-C-T. GRCh37 (hg19) VCF-style: chr9-137726986-C-T.
Other names: c.5306C>T, p.Ser1769Phe (NM_001278074.1); short protein forms S1769F.
Identifiers: ClinVar variation 2718192 (VCV002718192.4), dbSNP rs894882071, ClinGen allele CA201113823.